The following is an entry in ClinVar:

ClinVar aggregate classification (germline): Conflicting classifications of pathogenicity. Review status: criteria provided, conflicting classifications (1 of 4 stars). 2 submissions from 2 submitters: Uncertain significance (1); Likely benign (1). Last evaluated 2024-03-04.

Conditions:
Joubert syndrome 18 (JBTS18). Identifiers: Orphanet 2754, MedGen C3553758, MONDO:0013896, OMIM 614815.
Orofacial-digital syndrome IV (OFD4). Also called: Orofaciodigital syndrome IV; BARAITSER-BURN SYNDROME; MOHR-MAJEWSKI SYNDROME; OFD SYNDROME WITH TIBIAL DEFECTS; OFD SYNDROME, BARAITSER-BURN TYPE; OFDS IV. Identifiers: Orphanet 2753, MedGen C0406727, MONDO:0009794, OMIM 258860.
Inborn genetic diseases. Identifiers: MedGen C0950123, MeSH D030342.

Allele frequency attached by ClinVar (database versions not stated): ExAC 0.00001; gnomAD exomes 0.00001 and 0.00002; gnomAD 0.00002; TOPMed 0.00002.

Submissions (2):

Labcorp Genetics (formerly Invitae), Labcorp
Classification: Uncertain significance for Joubert syndrome 18; Orofacial-digital syndrome IV. Last evaluated: 2024-03-04. Review status: criteria provided, single submitter. Criteria: Invitae Variant Classification Sherloc (09022015). Collection method: clinical testing. Allele origin: germline.
Comment: This sequence change replaces alanine, which is neutral and non-polar, with threonine, which is neutral and polar, at codon 354 of the TCTN3 protein (p.Ala354Thr). This variant is present in population databases (rs765375312, gnomAD 0.004%). This variant has not been reported in the literature in individuals affected with TCTN3-related conditions. ClinVar contains an entry for this variant (Variation ID: 1489764). Advanced modeling of protein sequence and biophysical properties (such as structural, functional, and spatial information, amino acid conservation, physicochemical variation, residue mobility, and thermodynamic stability) performed at Invitae indicates that this missense variant is not expected to disrupt TCTN3 protein function with a negative predictive value of 80%. In summary, the available evidence is currently insufficient to determine the role of this variant in disease. Therefore, it has been classified as a Variant of Uncertain Significance.

Ambry Genetics
Classification: Likely benign for Inborn genetic diseases. Last evaluated: 2023-01-20. Review status: criteria provided, single submitter. Criteria: Ambry Variant Classification Scheme 2023. Collection method: clinical testing. Allele origin: germline.

NM_015631.6(TCTN3):c.1060G>A (p.Ala354Thr)

Gene: TCTN3 (tectonic family member 3; minus strand). Cytogenetic location: 10q24.1.
Variant type: single nucleotide variant.
Coding change: c.1060G>A on transcript NM_015631.6 (MANE Select); coding-DNA position 1060, G replaced by A.
Protein change: p.Ala354Thr; replaces alanine 354 with threonine.
Molecular consequence: missense variant. On other transcripts: intron variant (1).
Genome position (GRCh38, 1-based): chr10:95,684,534, C>T on the plus strand (G>A on the coding strand, the complement: TCTN3 is on the minus strand). VCF-style: chr10-95684534-C-T. GRCh37 (hg19) VCF-style: chr10-97444291-C-T.
Other names: c.1060G>A (NM_015631.5); c.652-905G>A (NM_001143973.2); short protein forms A354T.
Identifiers: ClinVar variation 1489764 (VCV001489764.9), dbSNP rs765375312, ClinGen allele CA5620975.
Genomic context (GRCh38, chr10:95,684,534, plus strand): 5'-TCCCCTATAAGAGAAGGGCCCTAACCCTGAAGCGAAGGATGAAGTGTTGCTGTAAGGAAG[C>T]GCCTGGCTCAACAGTCAGGTTGGTTTGTCCCAAACTGACAGAAACTTTCTGGATTCCAAA-3'
Protein context (NP_056446.4, residues 344-364): GQTNLTVEPG[Ala354Thr]SLQQHFILRF